The following is an entry in ClinVar:

NM_000264.5(PTCH1):c.2284G>T (p.Gly762Trp)

Genes: PTCH1 (patched 1; minus strand), LOC100507346 (uncharacterized LOC100507346; plus strand). Cytogenetic location: 9q22.32.
Variant type: single nucleotide variant.
Coding change: c.2284G>T on transcript NM_000264.5 (MANE Select); coding-DNA position 2284, G replaced by T.
Protein change: p.Gly762Trp; replaces glycine 762 with tryptophan.
Molecular consequence: missense variant. On other transcripts: non-coding transcript variant (1).
Genome position (GRCh38, 1-based): chr9:95,467,392, C>A on the plus strand (G>T on the coding strand, the complement: PTCH1 is on the minus strand). VCF-style: chr9-95467392-C-A. GRCh37 (hg19) VCF-style: chr9-98229674-C-A.
Other names: c.2086G>T, p.Gly696Trp (NM_001083602.3); c.2281G>T, p.Gly761Trp (NM_001083603.3); c.1831G>T, p.Gly611Trp (NM_001083604.3, NM_001083605.3, NM_001083606.3 and 1 more transcripts); c.2128G>T, p.Gly710Trp (NM_001354918.2); short protein forms G611W, G696W, G710W, G761W, G762W.
Identifiers: ClinVar variation 4527285 (VCV004527285.1).

ClinVar aggregate classification (germline): Uncertain significance (1 of 4 stars; one submission).

Submission:

GeneDx
Classification: Uncertain significance. Last evaluated: 2025-04-21. Review status: criteria provided, single submitter. Criteria: GeneDx Variant Classification Process June 2021. Collection method: clinical testing. Allele origin: germline. Affected: yes.
Comment: Not observed at significant frequency in large population cohorts (gnomAD); In silico analysis supports that this missense variant has a deleterious effect on protein structure/function; Has not been previously published as pathogenic or benign to our knowledge